The following is an entry in ClinVar:

NM_007118.4(TRIO):c.8739C>A (p.His2913Gln)

Gene: TRIO (trio Rho guanine nucleotide exchange factor; plus strand). Cytogenetic location: 5p15.2.
Variant type: single nucleotide variant.
Coding change: c.8739C>A on transcript NM_007118.4 (MANE Select); coding-DNA position 8739, C replaced by A.
Protein change: p.His2913Gln; replaces histidine 2913 with glutamine.
Molecular consequence: missense variant. On other transcripts: non-coding transcript variant (1).
Genome position (GRCh38, 1-based): chr5:14,507,248, C>A. VCF-style: chr5-14507248-C-A. GRCh37 (hg19) VCF-style: chr5-14507357-C-A.
Other names: short protein forms H2913Q.
Identifiers: ClinVar variation 3361499 (VCV003361499.1).

ClinVar aggregate classification (germline): Uncertain significance (1 of 4 stars; one submission).

Submission:

GeneDx
Classification: Uncertain significance. Last evaluated: 2024-04-03. Review status: criteria provided, single submitter. Criteria: GeneDx Variant Classification Process June 2021. Collection method: clinical testing. Allele origin: germline. Affected: yes.
Comment: Not observed at significant frequency in large population cohorts (gnomAD); In silico analysis supports that this missense variant has a deleterious effect on protein structure/function; Has not been previously published as pathogenic or benign to our knowledge; This variant is associated with the following publications: (PMID: 27535533)